The following is an entry in ClinVar:

NM_152732.5(RSPH9):c.131_144delinsG (p.Val44fs)

Gene: RSPH9 (radial spoke head component 9; plus strand). Cytogenetic location: 6p21.1.
Variant type: Indel.
Coding change: c.131_144delinsG on transcript NM_152732.5 (MANE Select); coding-DNA positions 131 to 144, TTCTCTTCTGGGGC replaced by G.
Protein change: p.Val44fs; shifts the reading frame from valine 44.
Molecular consequence: frameshift variant. On other transcripts: non-coding transcript variant (2).
Genome position (GRCh38, 1-based): chr6:43,645,229-43,645,242, TTCTCTTCTGGGGC replaced by G. VCF-style: chr6-43645229-TTCTCTTCTGGGGC-G. GRCh37 (hg19) VCF-style: chr6-43612966-TTCTCTTCTGGGGC-G.
Other names: c.131_144delTTCTCTTCTGGGGCinsG (NM_152732.4); c.131_144delinsG, p.Val44fs (NM_001193341.2, NM_001424119.1, NM_001424120.1 and 1 more transcripts); c.131_144delinsG (NM_152732.4); short protein forms V44fs.
Identifiers: ClinVar variation 1769640 (VCV001769640.4), dbSNP rs2532698369, ClinGen allele CA2580074673.

ClinVar aggregate classification (germline): Pathogenic/Likely pathogenic. Review status: criteria provided, multiple submitters, no conflicts (2 of 4 stars). 2 submissions from 2 submitters: Pathogenic (1); Likely pathogenic (1). Last evaluated 2025-12-31.

Conditions:
Primary ciliary dyskinesia. Also called: Ciliary dyskinesia. Identifiers: Orphanet 244, MedGen C0008780, MONDO:0016575, HP:0012265.

Submissions (2):

GeneDx
Classification: Likely pathogenic. Last evaluated: 2025-12-31. Review status: criteria provided, single submitter. Criteria: GeneDx Variant Classification Process June 2021. Collection method: clinical testing. Allele origin: germline.
Comment: Frameshift variant predicted to result in protein truncation or nonsense mediated decay in a gene for which loss of function is a known mechanism of disease; Not observed at significant frequency in large population cohorts (gnomAD); Has not been previously published as pathogenic or benign to our knowledge

Ambry Genetics
Classification: Pathogenic for Primary ciliary dyskinesia. Last evaluated: 2015-11-09. Review status: criteria provided, single submitter. Criteria: Ambry Variant Classification Scheme 2023. Collection method: clinical testing. Allele origin: germline.
Comment: The c.131_144del14insG pathogenic mutation, located in coding exon 1 of the RSPH9 gene, results from the deletion of 14 nucleotides and the insertion of one nucleotide causing a translational frameshift with a predicted alternate stop codon (p.V44GFS*16). Since frameshifts are typically deleterious in nature, this alteration is interpreted as a disease-causing mutation (ACMG Recommendations for Standards for Interpretation and Reporting of Sequence Variations. Revision 2007. Genet Med. 2008;10:294).